The following is an entry in ClinVar:

ClinVar aggregate classification (germline): Uncertain significance (1 of 4 stars; one submission).

Conditions:
BBS5-related disorder. Also called: BBS5-related condition.

Submission:

PreventionGenetics, part of Exact Sciences
Classification: Uncertain significance for BBS5-related condition. Last evaluated: 2025-10-30. Review status: criteria provided, single submitter. Criteria: ACMG Guidelines, 2015. Collection method: clinical testing. Allele origin: germline.
Comment: The BBS5 c.632T>C variant is predicted to result in the amino acid substitution p.Ile211Thr. To our knowledge, this variant has not been reported in the literature. This variant is reported in 0.00088% of alleles in individuals of European (Non-Finnish) descent in gnomAD. At this time, the clinical significance of this variant is uncertain due to the absence of conclusive functional and genetic evidence.

NM_152384.3(BBS5):c.632T>C (p.Ile211Thr)

Gene: BBS5 (Bardet-Biedl syndrome 5; plus strand). Cytogenetic location: 2q31.1.
Variant type: single nucleotide variant.
Coding change: c.632T>C on transcript NM_152384.3 (MANE Select); coding-DNA position 632, T replaced by C.
Protein change: p.Ile211Thr; replaces isoleucine 211 with threonine.
Molecular consequence: missense variant.
Genome position (GRCh38, 1-based): chr2:169,497,640, T>C. VCF-style: chr2-169497640-T-C. GRCh37 (hg19) VCF-style: chr2-170354150-T-C.
Other names: short protein forms I211T.
Identifiers: ClinVar variation 4994803 (VCV004994803.1).
Genomic context (GRCh38, chr2:169,497,640, plus strand): 5'-TCAGTTAATAAAAACTTGCATGTTTTTCTTTTTCATTTTGTATCTAGCGTTCAATAAAGA[T>C]TAGAGATTCAAAATTTGGTTTAGCTCTTGTCATAGAAAGCTCTCAGCAGGTAAGATCTTG-3'
Protein context (NP_689597.1, residues 201-221): IPYLQIRSIK[Ile211Thr]RDSKFGLALV